The following is an entry in ClinVar:

ClinVar aggregate classification (germline): Uncertain significance (1 of 4 stars; one submission).

Submission:

Ambry Genetics
Classification: Uncertain significance. Last evaluated: 2024-05-19. Review status: criteria provided, single submitter. Criteria: Ambry Variant Classification Scheme 2023. Collection method: clinical testing. Allele origin: germline.
Comment: The p.A72V variant (also known as c.215C>T), located in coding exon 1 of the GALNT12 gene, results from a C to T substitution at nucleotide position 215. The alanine at codon 72 is replaced by valine, an amino acid with similar properties. This amino acid position is conserved. In addition, this alteration is predicted to be tolerated by in silico analysis. Based on the available evidence, the clinical significance of this variant remains unclear.

NM_024642.5(GALNT12):c.215C>T (p.Ala72Val)

Gene: GALNT12 (polypeptide N-acetylgalactosaminyltransferase 12; plus strand). Cytogenetic location: 9q22.33.
Variant type: single nucleotide variant.
Coding change: c.215C>T on transcript NM_024642.5 (MANE Select); coding-DNA position 215, C replaced by T.
Protein change: p.Ala72Val; replaces alanine 72 with valine.
Molecular consequence: missense variant.
Genome position (GRCh38, 1-based): chr9:98,807,913, C>T. VCF-style: chr9-98807913-C-T. GRCh37 (hg19) VCF-style: chr9-101570195-C-T.
Other names: short protein forms A72V.
Identifiers: ClinVar variation 3280585 (VCV003280585.1).
Genomic context (GRCh38, chr9:98,807,913, plus strand): 5'-CCCCGCGCACCCCGCGCCCCGGGCGGCGCGAGCCGGTCATGCCGCGGCCGCCGGTGCCGG[C>T]GAACGCGCTGGGCGCGCGGGGCGAGGCGGTGCGGCTGCAGCTGCAGGGCGAGGAGCTGCG-3'
Protein context (NP_078918.3, residues 62-82): EPVMPRPPVP[Ala72Val]NALGARGEAV